The following is an entry in ClinVar:

ClinVar aggregate classification (germline): Benign/Likely benign. Review status: criteria provided, multiple submitters, no conflicts (2 of 4 stars). 3 submissions from 3 submitters: Benign (1); Likely benign (2). Last evaluated 2025-03-02.

Conditions:
Hereditary cancer-predisposing syndrome. Also called: Neoplastic Syndromes, Hereditary; Hereditary neoplastic syndrome; Tumor predisposition; Hereditary Cancer Syndrome. Identifiers: Orphanet 140162, MedGen C0027672, MeSH D009386, MONDO:0015356.
Multiple endocrine neoplasia, type 1 (MEN1). Also called: MEN I; WERMER SYNDROME; Endocrine adenomatosis multiple; MEN 1; MEA I. Identifiers: Orphanet 652, MedGen C0025267, MeSH D018761, MONDO:0007540, OMIM 131100.

Submissions (3):

Ambry Genetics
Classification: Likely benign for Hereditary cancer-predisposing syndrome. Last evaluated: 2025-03-02. Review status: criteria provided, single submitter. Criteria: Ambry Variant Classification Scheme 2023. Collection method: clinical testing. Allele origin: germline.

Labcorp Genetics (formerly Invitae), Labcorp
Classification: Likely benign for Multiple endocrine neoplasia, type 1. Last evaluated: 2025-02-17. Review status: criteria provided, single submitter. Criteria: Invitae Variant Classification Sherloc (09022015). Collection method: clinical testing. Allele origin: germline.

Myriad Genetics, Inc.
Classification: Benign for Multiple endocrine neoplasia, type 1. Last evaluated: 2024-10-31. Review status: criteria provided, single submitter. Criteria: Myriad Autosomal Dominant, Autosomal Recessive and X-Linked Classification Criteria (2023). Collection method: clinical testing. Allele origin: unknown.
Comment: This variant is considered benign. This variant is a silent/synonymous amino acid change and it is not expected to impact splicing.

NM_001370259.2(MEN1):c.96G>A (p.Pro32=)

Gene: MEN1 (menin 1; minus strand). Cytogenetic location: 11q13.1.
Variant type: single nucleotide variant.
Coding change: c.96G>A on transcript NM_001370259.2 (MANE Select); coding-DNA position 96, G replaced by A.
Protein change: p.Pro32=; no amino-acid change (proline 32 retained).
Molecular consequence: synonymous variant.
Genome position (GRCh38, 1-based): chr11:64,810,014, C>T on the plus strand (G>A on the coding strand, the complement: MEN1 is on the minus strand). VCF-style: chr11-64810014-C-T. GRCh37 (hg19) VCF-style: chr11-64577486-C-T.
Other names: c.96G>A (NM_130799.2); c.96G>A, p.Pro32= (NM_000244.4, NM_001370251.2, NM_001370260.2 and 9 more transcripts).
Identifiers: ClinVar variation 1135538 (VCV001135538.12), dbSNP rs1268807885, ClinGen allele CA475163070.